The following is an entry in ClinVar:

ClinVar aggregate classification (germline): Uncertain significance (1 of 4 stars; one submission).

Conditions:
Arrhythmogenic right ventricular dysplasia 10. Also called: Arrhythmogenic right ventricular dysplasia/cardiomyopathy, type 10; Arrhythmogenic Right Ventricular Dysplasia/Cardiomyopathy10; ARRHYTHMOGENIC RIGHT VENTRICULAR DYSPLASIA, FAMILIAL, 10. Identifiers: MedGen C1857777, MONDO:0012434, OMIM 610193.

gnomAD v4.1: 1 of 1,612,874 alleles (0.000062%); highest among the groups gnomAD compares: Non-Finnish European, 0.000085%; no homozygotes.

Submission:

Labcorp Genetics (formerly Invitae), Labcorp
Classification: Uncertain significance for Arrhythmogenic right ventricular dysplasia 10. Last evaluated: 2024-10-10. Review status: criteria provided, single submitter. Criteria: Invitae Variant Classification Sherloc (09022015). Collection method: clinical testing. Allele origin: germline.
Comment: This sequence change affects codon 627 of the DSG2 mRNA. It is a 'silent' change, meaning that it does not change the encoded amino acid sequence of the DSG2 protein. It affects a nucleotide within the consensus splice site. This variant is present in population databases (no rsID available, gnomAD 0.0009%). This variant has not been reported in the literature in individuals affected with DSG2-related conditions. Algorithms developed to predict the effect of sequence changes on RNA splicing suggest that this variant is not likely to affect RNA splicing. In summary, the available evidence is currently insufficient to determine the role of this variant in disease. Therefore, it has been classified as a Variant of Uncertain Significance.

NM_001943.5(DSG2):c.1879T>C (p.Leu627=)

Gene: DSG2 (desmoglein 2; plus strand). Cytogenetic location: 18q12.1.
Variant type: single nucleotide variant.
Coding change: c.1879T>C on transcript NM_001943.5 (MANE Select); coding-DNA position 1879, T replaced by C.
Protein change: p.Leu627=; no amino-acid change (leucine 627 retained).
Molecular consequence: synonymous variant.
Genome position (GRCh38, 1-based): chr18:31,538,978, T>C. VCF-style: chr18-31538978-T-C. GRCh37 (hg19) VCF-style: chr18-29118941-T-C.
Identifiers: ClinVar variation 3632159 (VCV003632159.2).